The following is an entry in ClinVar:

ClinVar aggregate classification (germline): Uncertain significance (1 of 4 stars; one submission).

Conditions:
PHGDH deficiency. Identifiers: Orphanet 79351, MedGen C1866174, MONDO:0011152, OMIM 601815.

Allele frequency attached by ClinVar (database versions not stated): ExAC 0.00001; gnomAD 0.00001; gnomAD exomes 0.00002; TOPMed 0.00002.
gnomAD v4.1: 33 of 1,613,976 alleles (0.002%); highest among the groups gnomAD compares: Non-Finnish European, 0.0028%; no homozygotes.

Submission:

Labcorp Genetics (formerly Invitae), Labcorp
Classification: Uncertain significance for PHGDH deficiency. Last evaluated: 2026-01-19. Review status: criteria provided, single submitter. Criteria: Invitae Variant Classification Sherloc (09022015). Collection method: clinical testing. Allele origin: germline.
Comment: This sequence change replaces glutamic acid, which is acidic and polar, with aspartic acid, which is acidic and polar, at codon 298 of the PHGDH protein (p.Glu298Asp). This variant is present in population databases (rs772333531, gnomAD 0.002%). This variant has not been reported in the literature in individuals affected with PHGDH-related conditions. ClinVar contains an entry for this variant (Variation ID: 2194930). Invitae Evidence Modeling of protein sequence and biophysical properties (such as structural, functional, and spatial information, amino acid conservation, physicochemical variation, residue mobility, and thermodynamic stability) has been performed for this missense variant. However, the output from this modeling did not meet the statistical confidence thresholds required to predict the impact of this variant on PHGDH protein function. In summary, the available evidence is currently insufficient to determine the role of this variant in disease. Therefore, it has been classified as a Variant of Uncertain Significance.

NM_006623.4(PHGDH):c.894A>C (p.Glu298Asp)

Gene: PHGDH (phosphoglycerate dehydrogenase; plus strand). Cytogenetic location: 1p12.
Variant type: single nucleotide variant.
Coding change: c.894A>C on transcript NM_006623.4 (MANE Select); coding-DNA position 894, A replaced by C.
Protein change: p.Glu298Asp; replaces glutamic acid 298 with aspartic acid.
Molecular consequence: missense variant.
Genome position (GRCh38, 1-based): chr1:119,737,215, A>C. VCF-style: chr1-119737215-A-C. GRCh37 (hg19) VCF-style: chr1-120279838-A-C.
Other names: short protein forms E298D.
Identifiers: ClinVar variation 2194930 (VCV002194930.2), dbSNP rs772333531, ClinGen allele CA1037283.